The following is an entry in ClinVar:

ClinVar aggregate classification (germline): Conflicting classifications of pathogenicity. Review status: criteria provided, conflicting classifications (1 of 4 stars). 2 submissions from 2 submitters: Uncertain significance (1); Likely benign (1). Last evaluated 2025-02-25.

Conditions:
Developmental and epileptic encephalopathy, 42 (DEE42A). Also called: Epileptic encephalopathy, early infantile, 42; DEVELOPMENTAL AND EPILEPTIC ENCEPHALOPATHY 42A; EPILEPTIC ENCEPHALOPATHY, EARLY INFANTILE, 42A. Identifiers: MedGen C4310716, MONDO:0014917, OMIM 617106.
Episodic ataxia type 2 (EA2). Also called: CEREBELLAR ATAXIA, PAROXYSMAL, ACETAZOLAMIDE-RESPONSIVE; CEREBELLOPATHY, HEREDITARY PAROXYSMAL; EPISODIC ATAXIA, NYSTAGMUS-ASSOCIATED; ACETAZOLAMIDE-RESPONSIVE HEREDITARY PAROXYSMAL CEREBELLAR ATAXIA; ATAXIA, EPISODIC, WITH NYSTAGMUS; ATAXIA, FAMILIAL PAROXYSMAL. Identifiers: Orphanet 97, MedGen C1720416, MONDO:0007163, OMIM 108500.

Allele frequency attached by ClinVar (database versions not stated): ExAC 0.00002.
gnomAD v4.1: 5 of 1,570,826 alleles (0.00032%); highest among the groups gnomAD compares: Admixed American, 0.0053%; no homozygotes.

Submissions (2):

Labcorp Genetics (formerly Invitae), Labcorp
Classification: Likely benign for Developmental and epileptic encephalopathy, 42; Episodic ataxia type 2. Last evaluated: 2025-02-25. Review status: criteria provided, single submitter. Criteria: Invitae Variant Classification Sherloc (09022015). Collection method: clinical testing. Allele origin: germline.

GeneDx
Classification: Uncertain significance. Last evaluated: 2024-06-05. Review status: criteria provided, single submitter. Criteria: GeneDx Variant Classification Process June 2021. Collection method: clinical testing. Allele origin: germline. Affected: yes.
Comment: In silico analysis indicates that this missense variant does not alter protein structure/function; Has not been previously published as pathogenic or benign to our knowledge

NM_001127222.2(CACNA1A):c.2813G>T (p.Gly938Val)

Gene: CACNA1A (calcium voltage-gated channel subunit alpha1 A; minus strand). Cytogenetic location: 19p13.13.
Variant type: single nucleotide variant.
Coding change: c.2813G>T on transcript NM_001127222.2 (MANE Select); coding-DNA position 2813, G replaced by T.
Protein change: p.Gly938Val; replaces glycine 938 with valine.
Molecular consequence: missense variant.
Genome position (GRCh38, 1-based): chr19:13,298,820, C>A on the plus strand (G>T on the coding strand, the complement: CACNA1A is on the minus strand). VCF-style: chr19-13298820-C-A. GRCh37 (hg19) VCF-style: chr19-13409634-C-A.
Other names: c.2825G>T, p.Gly942Val (NM_000068.4, NM_023035.3); c.2816G>T, p.Gly939Val (NM_001127221.2, NM_001174080.2); short protein forms G939V, G942V, G938V.
Identifiers: ClinVar variation 972075 (VCV000972075.11), dbSNP rs747413278, ClinGen allele CA9240469.